The following is an entry in ClinVar:

NM_021830.5(TWNK):c.1902C>T (p.Asn634=)

Gene: TWNK (twinkle mtDNA helicase; plus strand). Cytogenetic location: 10q24.31.
Variant type: single nucleotide variant.
Coding change: c.1902C>T on transcript NM_021830.5 (MANE Select); coding-DNA position 1902, C replaced by T.
Protein change: p.Asn634=; no amino-acid change (asparagine 634 retained).
Molecular consequence: synonymous variant. On other transcripts: 3 prime UTR variant (2), non-coding transcript variant (5).
Genome position (GRCh38, 1-based): chr10:100,993,357, C>T. VCF-style: chr10-100993357-C-T. GRCh37 (hg19) VCF-style: chr10-102753114-C-T.
Other names: c.*197C>T (NM_001163812.2, NM_001163814.2); c.540C>T, p.Asn180= (NM_001163813.2, NM_001368275.1); c.1902C>T (NM_021830.4).
Identifiers: ClinVar variation 1542828 (VCV001542828.10), dbSNP rs62626293, ClinGen allele CA5653360.

ClinVar aggregate classification (germline): Likely benign. Review status: criteria provided, multiple submitters, no conflicts (2 of 4 stars). 3 submissions from 3 submitters: Likely benign (3). Last evaluated 2026-05-07.

Conditions:
TWNK-related disorder. Also called: TWNK-related condition.

gnomAD v4.1: 74 of 1,614,210 alleles (0.0046%); highest among the groups gnomAD compares: Non-Finnish European, 0.006%; no homozygotes.

Submissions (3):

Women's Health and Genetics/Laboratory Corporation of America, LabCorp
Classification: Likely benign. Last evaluated: 2026-05-07. Review status: criteria provided, single submitter. Criteria: LabCorp Variant Classification Summary - May 2015. Collection method: clinical testing. Allele origin: germline.

PreventionGenetics, part of Exact Sciences
Classification: Likely benign for TWNK-related condition. Last evaluated: 2025-10-20. Review status: criteria provided, single submitter. Criteria: ACMG Guidelines, 2015. Collection method: clinical testing. Allele origin: germline.
Comment: This variant is classified as likely benign based on ACMG/AMP sequence variant interpretation guidelines (Richards et al. 2015 PMID: 25741868, with internal and published modifications).

Labcorp Genetics (formerly Invitae), Labcorp
Classification: Likely benign. Last evaluated: 2024-08-21. Review status: criteria provided, single submitter. Criteria: Invitae Variant Classification Sherloc (09022015). Collection method: clinical testing. Allele origin: germline.